The following is an entry in ClinVar:

NM_006019.4(TCIRG1):c.1165+9C>T

Gene: TCIRG1 (T cell immune regulator 1, ATPase H+ transporting V0 subunit a3; plus strand). Cytogenetic location: 11q13.2.
Variant type: single nucleotide variant.
Coding change: c.1165+9C>T on transcript NM_006019.4 (MANE Select); 9 bases into the intron after coding-DNA position 1165, C replaced by T.
Molecular consequence: intron variant.
Genome position (GRCh38, 1-based): chr11:68,045,111, C>T. VCF-style: chr11-68045111-C-T. GRCh37 (hg19) VCF-style: chr11-67812578-C-T.
Other names: c.271+9C>T (NM_001351059.2); c.517+9C>T (NM_006053.4).
Identifiers: ClinVar variation 305799 (VCV000305799.14), dbSNP rs886048597, ClinGen allele CA10639254.

ClinVar aggregate classification (germline): Conflicting classifications of pathogenicity. Review status: criteria provided, conflicting classifications (1 of 4 stars). 3 submissions from 3 submitters: Uncertain significance (1); Likely benign (1). 1 of the submissions does not count toward it. Last evaluated 2025-08-27.

Conditions:
TCIRG1-related disorder. Also called: TCIRG1-related condition.
Autosomal recessive osteopetrosis 1. Also called: ALBERS-SCHONBERG DISEASE, AUTOSOMAL RECESSIVE; TCIRG1-Related Osteopetrosis; TCIRG1-Related Autosomal Recessive Osteopetrosis. Identifiers: Orphanet 667, MedGen C1850127, MONDO:0009815, OMIM 259700.

Allele frequency attached by ClinVar (database versions not stated): gnomAD exomes 0.00002 and 0.00003; gnomAD 0.00003; TOPMed 0.00004.
gnomAD v4.1: 19 of 1,599,842 alleles (0.0012%); highest among the groups gnomAD compares: Admixed American, 0.03%; no homozygotes.

Submissions (3):

Labcorp Genetics (formerly Invitae), Labcorp
Classification: Likely benign. Last evaluated: 2025-08-27. Review status: criteria provided, single submitter. Criteria: Invitae Variant Classification Sherloc (09022015). Collection method: clinical testing. Allele origin: germline.

Illumina Laboratory Services, Illumina
Classification: Uncertain significance for Autosomal recessive osteopetrosis 1. Last evaluated: 2018-01-13. Review status: criteria provided, single submitter. Criteria: ICSL Variant Classification Criteria 13 December 2019. Collection method: clinical testing. Allele origin: germline.

PreventionGenetics, part of Exact Sciences
Classification: Likely benign for TCIRG1-related condition. Last evaluated: 2024-05-27. Review status: no assertion criteria provided. Collection method: clinical testing. Allele origin: germline. Not counted in ClinVar's aggregate classification.
Comment: This variant is classified as likely benign based on ACMG/AMP sequence variant interpretation guidelines (Richards et al. 2015 PMID: 25741868, with internal and published modifications).